The following is an entry in ClinVar:

ClinVar aggregate classification (germline): Likely benign (1 of 4 stars; one submission).

gnomAD v4.1: 1 of 1,606,640 alleles (0.000062%); highest among the groups gnomAD compares: Non-Finnish European, 0.000085%; no homozygotes.

Submission:

CeGaT Center for Human Genetics Tuebingen
Classification: Likely benign. Last evaluated: 2025-10-01. Review status: criteria provided, single submitter. Criteria: CeGaT Center For Human Genetics Tuebingen Variant Classification Criteria Version 2. Collection method: clinical testing. Allele origin: germline. Affected: yes. Observed: 1 variant allele.
Comment: SRCAP: BP4, BP7

NM_006662.3(SRCAP):c.8592C>T (p.Pro2864=)

Gene: SRCAP (Snf2 related CREBBP activator protein; plus strand). Cytogenetic location: 16p11.2.
Variant type: single nucleotide variant.
Coding change: c.8592C>T on transcript NM_006662.3 (MANE Select); coding-DNA position 8592, C replaced by T.
Protein change: p.Pro2864=; no amino-acid change (proline 2864 retained).
Molecular consequence: synonymous variant.
Genome position (GRCh38, 1-based): chr16:30,738,632, C>T. VCF-style: chr16-30738632-C-T. GRCh37 (hg19) VCF-style: chr16-30749953-C-T.
Identifiers: ClinVar variation 4534258 (VCV004534258.6).
Genomic context (GRCh38, chr16:30,738,632, plus strand): 5'-AGACGGAGCACTGCTCGCCATCACCCCACCTGCTGTGAAACGTCGGAGGGGGAGGCCCCC[C>T]AAGAAGAACAGGTCTCCAGCAGATGCTGGGAGAGGTGTGGATGAGGCACCCTCATCCACC-3'
Protein context (NP_006653.2, residues 2854-2874): PAVKRRRGRP[Pro2864=]KKNRSPADAG